The following is an entry in ClinVar:

ClinVar aggregate classification (germline): Uncertain significance (1 of 4 stars; one submission).

Allele frequency attached by ClinVar (database versions not stated): gnomAD exomes 0.00001.
gnomAD v4.1: 13 of 1,614,120 alleles (0.00081%); highest among the groups gnomAD compares: Non-Finnish European, 0.0011%; no homozygotes.

Submission:

Labcorp Genetics (formerly Invitae), Labcorp
Classification: Uncertain significance. Last evaluated: 2021-08-07. Review status: criteria provided, single submitter. Criteria: Invitae Variant Classification Sherloc (09022015). Collection method: clinical testing. Allele origin: germline.
Comment: This sequence change replaces isoleucine with threonine at codon 2870 of the SZT2 protein (p.Ile2870Thr). The isoleucine residue is moderately conserved and there is a moderate physicochemical difference between isoleucine and threonine. This variant is not present in population databases (ExAC no frequency). This variant has not been reported in the literature in individuals affected with SZT2-related conditions. Algorithms developed to predict the effect of missense changes on protein structure and function output the following: SIFT: "Deleterious"; PolyPhen-2: "Benign"; Align-GVGD: "Class C0". The threonine amino acid residue is found in multiple mammalian species, which suggests that this missense change does not adversely affect protein function. In summary, the available evidence is currently insufficient to determine the role of this variant in disease. Therefore, it has been classified as a Variant of Uncertain Significance.

NM_001365999.1(SZT2):c.8780T>C (p.Ile2927Thr)

Gene: SZT2 (SZT2 subunit of KICSTOR complex; plus strand). Cytogenetic location: 1p34.2.
Variant type: single nucleotide variant.
Coding change: c.8780T>C on transcript NM_001365999.1 (MANE Select); coding-DNA position 8780, T replaced by C.
Protein change: p.Ile2927Thr; replaces isoleucine 2927 with threonine.
Molecular consequence: missense variant.
Genome position (GRCh38, 1-based): chr1:43,443,751, T>C. VCF-style: chr1-43443751-T-C. GRCh37 (hg19) VCF-style: chr1-43909422-T-C.
Other names: c.8609T>C, p.Ile2870Thr (NM_015284.4); short protein forms I2870T, I2927T.
Identifiers: ClinVar variation 1511049 (VCV001511049.3), dbSNP rs1655349433, ClinGen allele CA340040429.